The following is an entry in ClinVar:

NM_001423532.1(FAM90A20):c.679G>A (p.Glu227Lys)

Gene: FAM90A20 (family with sequence similarity 90 member A20). Cytogenetic location: 8p23.1.
Variant type: single nucleotide variant.
Coding change: c.679G>A on transcript NM_001423532.1 (MANE Select); coding-DNA position 679, G replaced by A.
Protein change: p.Glu227Lys; replaces glutamic acid 227 with lysine.
Molecular consequence: missense variant.
Genome position (GRCh38, 1-based): chr8:7,297,308, G>A. VCF-style: chr8-7297308-G-A. GRCh37 (hg19) VCF-style: chr8-7154830-G-A.
Other names: short protein forms E227K.
Identifiers: ClinVar variation 4084065 (VCV004084065.8).

ClinVar aggregate classification (germline): Likely benign (1 of 4 stars; one submission).

gnomAD v4.1: 178 of 1,354,440 alleles (0.013%); highest among the groups gnomAD compares: South Asian, 0.054%; 33 homozygotes.

Submission:

CeGaT Center for Human Genetics Tuebingen
Classification: Likely benign. Last evaluated: 2025-07-01. Review status: criteria provided, single submitter. Criteria: CeGaT Center For Human Genetics Tuebingen Variant Classification Criteria Version 2. Collection method: clinical testing. Allele origin: germline. Affected: yes. Observed: 1 variant allele.
Comment: FAM90A20: BS2